The following is an entry in ClinVar:

ClinVar aggregate classification (germline): Likely benign (1 of 4 stars; one submission).

gnomAD v4.1: 88 of 1,613,408 alleles (0.0055%); highest among the groups gnomAD compares: African/African-American, 0.063%; no homozygotes.

Submission:

CeGaT Center for Human Genetics Tuebingen
Classification: Likely benign. Last evaluated: 2026-05-01. Review status: criteria provided, single submitter. Criteria: CeGaT Center For Human Genetics Tuebingen Variant Classification Criteria Version 2. Collection method: clinical testing. Allele origin: germline. Affected: yes. Observed: 1 variant allele.
Comment: ADAMTSL2: BP4, BP7

NM_014694.4(ADAMTSL2):c.627C>T (p.Asp209=)

Gene: ADAMTSL2 (ADAMTS like 2; plus strand). Cytogenetic location: 9q34.2.
Variant type: single nucleotide variant.
Coding change: c.627C>T on transcript NM_014694.4 (MANE Select); coding-DNA position 627, C replaced by T.
Protein change: p.Asp209=; no amino-acid change (aspartic acid 209 retained).
Molecular consequence: synonymous variant.
Genome position (GRCh38, 1-based): chr9:133,540,946, C>T. VCF-style: chr9-133540946-C-T. GRCh37 (hg19) VCF-style: chr9-136406068-C-T.
Other names: c.627C>T, p.Asp209= (NM_001145320.2).
Identifiers: ClinVar variation 4872919 (VCV004872919.2).